The following is an entry in ClinVar:

NM_001033057.2(MAGI1):c.1224G>A (p.Gln408=)

Gene: MAGI1 (membrane associated guanylate kinase, WW and PDZ domain containing 1; minus strand). Cytogenetic location: 3p14.1.
Variant type: single nucleotide variant.
Coding change: c.1224G>A on transcript NM_001033057.2 (MANE Select); coding-DNA position 1224, G replaced by A.
Protein change: p.Gln408=; no amino-acid change (glutamine 408 retained).
Molecular consequence: synonymous variant.
Genome position (GRCh38, 1-based): chr3:65,439,925, C>T on the plus strand (G>A on the coding strand, the complement: MAGI1 is on the minus strand). VCF-style: chr3-65439925-C-T. GRCh37 (hg19) VCF-style: chr3-65425600-C-T.
Other names: c.1224G>A, p.Gln408= (NM_015520.2, NM_004742.3); c.1227G>A, p.Gln409= (NM_001365903.2, NM_001365904.2, NM_001365905.1).
Identifiers: ClinVar variation 2653950 (VCV002653950.24), dbSNP rs770861590, ClinGen allele CA434148034.

ClinVar aggregate classification (germline): Likely benign (1 of 4 stars; one submission).

Allele frequency attached by ClinVar (database versions not stated): gnomAD 0.00001.
gnomAD v4.1: 2 of 1,610,290 alleles (0.00012%); highest among the groups gnomAD compares: East Asian, 0.0045%; no homozygotes.

Submission:

CeGaT Center for Human Genetics Tuebingen
Classification: Likely benign. Last evaluated: 2022-12-01. Review status: criteria provided, single submitter. Criteria: CeGaT Center For Human Genetics Tuebingen Variant Classification Criteria Version 2. Collection method: clinical testing. Allele origin: germline. Affected: yes. Observed: 1 variant allele.
Comment: MAGI1: BP4, BP7